The following is an entry in ClinVar:

ClinVar aggregate classification (germline): Uncertain significance (1 of 4 stars; one submission).

Conditions:
RASopathy. Also called: Noonan spectrum disorder; rasopathies. Identifiers: Orphanet 536391, MedGen C5555857, MONDO:0021060.

Allele frequency attached by ClinVar (database versions not stated): TOPMed below 0.00001.
gnomAD v4.1: 2 of 1,613,760 alleles (0.00012%); highest among the groups gnomAD compares: African/African-American, 0.0013%; no homozygotes.

Submission:

Labcorp Genetics (formerly Invitae), Labcorp
Classification: Uncertain significance for RASopathy. Last evaluated: 2022-08-16. Review status: criteria provided, single submitter. Criteria: Invitae Variant Classification Sherloc (09022015). Collection method: clinical testing. Allele origin: germline.
Comment: This sequence change replaces arginine, which is basic and polar, with histidine, which is basic and polar, at codon 117 of the MAP2K2 protein (p.Arg117His). This variant is not present in population databases (gnomAD no frequency). This variant has not been reported in the literature in individuals affected with MAP2K2-related conditions. In summary, the available evidence is currently insufficient to determine the role of this variant in disease. Therefore, it has been classified as a Variant of Uncertain Significance. Advanced modeling of protein sequence and biophysical properties (such as structural, functional, and spatial information, amino acid conservation, physicochemical variation, residue mobility, and thermodynamic stability) performed at Invitae indicates that this missense variant is expected to disrupt MAP2K2 protein function.

NM_030662.4(MAP2K2):c.350G>A (p.Arg117His)

Gene: MAP2K2 (mitogen-activated protein kinase kinase 2; minus strand). Cytogenetic location: 19p13.3.
Variant type: single nucleotide variant.
Coding change: c.350G>A on transcript NM_030662.4 (MANE Select); coding-DNA position 350, G replaced by A.
Protein change: p.Arg117His; replaces arginine 117 with histidine.
Molecular consequence: missense variant.
Genome position (GRCh38, 1-based): chr19:4,110,609, C>T on the plus strand (G>A on the coding strand, the complement: MAP2K2 is on the minus strand). VCF-style: chr19-4110609-C-T. GRCh37 (hg19) VCF-style: chr19-4110607-C-T.
Other names: short protein forms R117H.
Identifiers: ClinVar variation 1937426 (VCV001937426.5), dbSNP rs1370559062, ClinGen allele CA403391619.
Genomic context (GRCh38, chr19:4,110,609, plus strand): 5'-AAGGCCCCGTAGAAGCCCACGATGTACGGCGAGTTGCATTCGTGCAGGACCTGCAGCTCG[C>T]GGATGATCTGGTTCCGGATGGCCGGCTTGATCTCAAGGTGGATCAGCTGCAAGGGGAGAG-3'
Protein context (NP_109587.1, residues 107-127): IKPAIRNQII[Arg117His]ELQVLHECNS